The following is an entry in ClinVar:

ClinVar aggregate classification (germline): Conflicting classifications of pathogenicity. Review status: criteria provided, conflicting classifications (1 of 4 stars). 8 submissions from 7 submitters: Uncertain significance (4); Likely benign (4). Last evaluated 2026-03-01.

Conditions:
Inborn genetic diseases. Identifiers: MedGen C0950123, MeSH D030342.
Spherocytosis. Identifiers: MedGen C0553720, HP:0004444.
Hereditary spherocytosis type 1. Also called: Spherocytosis type 1; ANK1-Related Spherocytosis. Identifiers: Orphanet 822, MedGen C2674218, MONDO:0008447, OMIM 182900.

Allele frequency attached by ClinVar (database versions not stated): gnomAD 0.00039 and 0.00054; TOPMed 0.00047; ESP Exome Variant Server 0.00069; 1000 Genomes Project 0.00120; 1000 Genomes Project 30x 0.00125; gnomAD exomes 0.00134; ExAC 0.00143.
gnomAD v4.1: 1,311 of 1,614,188 alleles (0.081%); highest among the groups gnomAD compares: South Asian, 0.6%; 8 homozygotes.

Submissions (8):

CeGaT Center for Human Genetics Tuebingen
Classification: Likely benign. Last evaluated: 2026-03-01. Review status: criteria provided, single submitter. Criteria: CeGaT Center For Human Genetics Tuebingen Variant Classification Criteria Version 2. Collection method: clinical testing. Allele origin: germline. Affected: yes. Observed: 2 variant alleles.
Comment: ANK1: BS2

Labcorp Genetics (formerly Invitae), Labcorp
Classification: Likely benign. Last evaluated: 2025-08-04. Review status: criteria provided, single submitter. Criteria: Invitae Variant Classification Sherloc (09022015). Collection method: clinical testing. Allele origin: germline.

ARUP Laboratories, Molecular Genetics and Genomics, ARUP Laboratories
Classification: Likely benign for Hereditary spherocytosis type 1. Last evaluated: 2024-03-14. Review status: criteria provided, single submitter. Criteria: ARUP Molecular Germline Variant Investigation Process 2024. Collection method: clinical testing. Allele origin: germline.

Ambry Genetics
Classification: Uncertain significance for Inborn genetic diseases. Last evaluated: 2021-12-07. Review status: criteria provided, single submitter. Criteria: Ambry Variant Classification Scheme 2023. Collection method: clinical testing. Allele origin: germline.

Mayo Clinic Laboratories, Mayo Clinic
Classification: Uncertain significance. Last evaluated: 2021-06-08. Review status: criteria provided, single submitter. Criteria: ACMG Guidelines, 2015. Collection method: clinical testing. Allele origin: germline.

Illumina Laboratory Services, Illumina
Classification: Likely benign for Hereditary spherocytosis type 1. Last evaluated: 2018-01-13. Review status: criteria provided, single submitter. Criteria: ICSL Variant Classification Criteria 13 December 2019. Collection method: clinical testing. Allele origin: germline.
Comment: This variant was observed in the ICSL laboratory as part of a predisposition screen in an ostensibly healthy population. It had not been previously curated by ICSL or reported in the Human Gene Mutation Database (HGMD: prior to June 1st, 2018), and was therefore a candidate for classification through an automated scoring system. Utilizing variant allele frequency, disease prevalence and penetrance estimates, and inheritance mode, an automated score was calculated to assess if this variant is too frequent to cause the disease. Based on the score and internal cut-off values, a variant classified as likely benign is not then subjected to further curation. The score for this variant resulted in a classification of likely benign for this disease.

Illumina Laboratory Services, Illumina
Classification: Uncertain significance for Spherocytosis. Last evaluated: 2018-01-13. Review status: criteria provided, single submitter. Criteria: ICSL Variant Classification Criteria 13 December 2019. Collection method: clinical testing. Allele origin: germline.

Department of Haematogenetics, ICMR National Institute of Immunohaematology
Classification: Uncertain significance for Hereditary spherocytosis type 1. Review status: criteria provided, single submitter. Criteria: ACMG Guidelines, 2015. Collection method: research. Allele origin: inherited. Affected: yes.

NM_000037.4(ANK1):c.2167C>A (p.His723Asn)

Gene: ANK1 (ankyrin 1; minus strand). Cytogenetic location: 8p11.21.
Variant type: single nucleotide variant.
Coding change: c.2167C>A on transcript NM_000037.4 (MANE Select); coding-DNA position 2167, C replaced by A.
Protein change: p.His723Asn; replaces histidine 723 with asparagine.
Molecular consequence: missense variant.
Genome position (GRCh38, 1-based): chr8:41,704,403, G>T on the plus strand (C>A on the coding strand, the complement: ANK1 is on the minus strand). VCF-style: chr8-41704403-G-T. GRCh37 (hg19) VCF-style: chr8-41561921-G-T.
Other names: p.His723Asn; c.2266C>A, p.His756Asn (NM_001142446.2); c.2167C>A, p.His723Asn (NM_020475.3, NM_020476.3, NM_020477.3); short protein forms H756N, H723N.
Identifiers: ClinVar variation 363019 (VCV000363019.25), dbSNP rs150899388, ClinGen allele CA4728345.